The following is an entry in ClinVar:

ClinVar aggregate classification (germline): Uncertain significance (1 of 4 stars; one submission).

Conditions:
Charcot-Marie-Tooth disease axonal type 2O. Also called: CHARCOT-MARIE-TOOTH NEUROPATHY, AXONAL, TYPE 2O; CHARCOT-MARIE-TOOTH DISEASE, AXONAL, AUTOSOMAL DOMINANT, TYPE 2O; Charcot-Marie-Tooth Neuropathy Type 2O; Charcot-Marie-Tooth disease, axonal, type 20. Identifiers: Orphanet 284232, MedGen C3280220, MONDO:0013644, OMIM 614228.

Allele frequency attached by ClinVar (database versions not stated): gnomAD exomes below 0.00001.
gnomAD v4.1: 1 of 1,614,220 alleles (0.000062%); highest among the groups gnomAD compares: Non-Finnish European, 0.000085%; no homozygotes.

Submission:

Labcorp Genetics (formerly Invitae), Labcorp
Classification: Uncertain significance for Charcot-Marie-Tooth disease axonal type 2O. Last evaluated: 2022-12-05. Review status: criteria provided, single submitter. Criteria: Invitae Variant Classification Sherloc (09022015). Collection method: clinical testing. Allele origin: germline.
Comment: This sequence change replaces tyrosine, which is neutral and polar, with cysteine, which is neutral and slightly polar, at codon 3825 of the DYNC1H1 protein (p.Tyr3825Cys). This variant is not present in population databases (gnomAD no frequency). This variant has not been reported in the literature in individuals affected with DYNC1H1-related conditions. Advanced modeling of protein sequence and biophysical properties (such as structural, functional, and spatial information, amino acid conservation, physicochemical variation, residue mobility, and thermodynamic stability) performed at Invitae indicates that this missense variant is expected to disrupt DYNC1H1 protein function. In summary, the available evidence is currently insufficient to determine the role of this variant in disease. Therefore, it has been classified as a Variant of Uncertain Significance.

NM_001376.5(DYNC1H1):c.11474A>G (p.Tyr3825Cys)

Gene: DYNC1H1 (dynein cytoplasmic 1 heavy chain 1; plus strand). Cytogenetic location: 14q32.31.
Variant type: single nucleotide variant.
Coding change: c.11474A>G on transcript NM_001376.5 (MANE Select); coding-DNA position 11474, A replaced by G.
Protein change: p.Tyr3825Cys; replaces tyrosine 3825 with cysteine.
Molecular consequence: missense variant.
Genome position (GRCh38, 1-based): chr14:102,039,425, A>G. VCF-style: chr14-102039425-A-G. GRCh37 (hg19) VCF-style: chr14-102505762-A-G.
Other names: short protein forms Y3825C.
Identifiers: ClinVar variation 2872376 (VCV002872376.3), dbSNP rs2503846051, ClinGen allele CA391034377.
Genomic context (GRCh38, chr14:102,039,425, plus strand): 5'-GGGGTGCCGAGGGAGCTGCCTCACCGCTGCCCACTGCTTCCTTTCAGATACACTTCTTGT[A>G]CCAGTACTCCCTCCAGTTTTTCCTGGACATTTATCACAACGTCCTATACGAGAACCCGAA-3'
Protein context (NP_001367.2, residues 3815-3835): MESLKQIHFL[Tyr3825Cys]QYSLQFFLDI